The following is an entry in ClinVar:

ClinVar aggregate classification (germline): Uncertain significance (1 of 4 stars; one submission).

Conditions:
Hydrocephalus, nonsyndromic, autosomal recessive 1 (HYC1). Also called: Congenital hydrocephalus 1; Hydrocephalus, nonsyndromic, autosomal recessive. Identifiers: Orphanet 2185, MedGen C3887608, MONDO:0009360, OMIM 236600.

Submission:

Myriad Genetics, Inc.
Classification: Uncertain significance for Hydrocephalus, nonsyndromic, autosomal recessive 1. Last evaluated: 2025-08-11. Review status: criteria provided, single submitter. Criteria: Myriad Autosomal Dominant, Autosomal Recessive and X-Linked Classification Criteria (2023). Collection method: clinical testing. Allele origin: unknown.
Comment: NM_001080414.3(CCDC88C):c.5929delC(L1977Ffs*88) is a frameshift variant that results in protein elongation classified as a variant of uncertain significance in the context of congenital hydrocephalus, CCDC88C-related. L1977Ffs*88 has not been observed in cases with relevant disease. Relevant functional assessments of this variant are not available in the literature. L1977Ffs*88 has not been observed in referenced population frequency databases. In summary, there is insufficient evidence to classify NM_001080414.3(CCDC88C):c.5929delC(L1977Ffs*88) as pathogenic or benign. Please note: this variant was assessed in the context of healthy population screening.

NM_001080414.4(CCDC88C):c.5929del (p.Leu1977fs)

Gene: CCDC88C (coiled-coil and HOOK domain protein 88C; minus strand). Cytogenetic location: 14q32.11.
Variant type: Deletion.
Coding change: c.5929del on transcript NM_001080414.4 (MANE Select); coding-DNA position 5929, one base deleted (C; older notation c.5929delC).
Protein change: p.Leu1977fs; shifts the reading frame from leucine 1977.
Molecular consequence: frameshift variant. On other transcripts: non-coding transcript variant (2).
Genome position (GRCh38, 1-based): chr14:91,272,783, G deleted on the plus strand (C on the coding strand, the reverse complement: CCDC88C is on the minus strand). VCF-style (leftmost placement, unchanged base first): chr14-91272782-AG-A. GRCh37 (hg19) VCF-style: chr14-91739126-AG-A.
Other names: short protein forms L1977fs.
Identifiers: ClinVar variation 5004114 (VCV005004114.1).